The following is an entry in ClinVar:

ClinVar aggregate classification (germline): Uncertain significance (1 of 4 stars; one submission).

gnomAD v4.1: 2 of 1,614,238 alleles (0.00012%); highest among the groups gnomAD compares: Non-Finnish European, 0.00017%; no homozygotes.

Submission:

Labcorp Genetics (formerly Invitae), Labcorp
Classification: Uncertain significance. Last evaluated: 2025-05-27. Review status: criteria provided, single submitter. Criteria: Invitae Variant Classification Sherloc (09022015). Collection method: clinical testing. Allele origin: germline.
Comment: This sequence change replaces tyrosine, which is neutral and polar, with histidine, which is basic and polar, at codon 562 of the COL10A1 protein (p.Tyr562His). This variant is not present in population databases (gnomAD no frequency). This variant has not been reported in the literature in individuals affected with COL10A1-related conditions. Invitae Evidence Modeling of protein sequence and biophysical properties (such as structural, functional, and spatial information, amino acid conservation, physicochemical variation, residue mobility, and thermodynamic stability) has been performed for this missense variant. However, the output from this modeling did not meet the statistical confidence thresholds required to predict the impact of this variant on COL10A1 protein function. In summary, the available evidence is currently insufficient to determine the role of this variant in disease. Therefore, it has been classified as a Variant of Uncertain Significance.

NM_000493.4(COL10A1):c.1684T>C (p.Tyr562His)

Genes: COL10A1 (collagen type X alpha 1 chain; minus strand), NT5DC1 (5'-nucleotidase domain containing 1; plus strand). Cytogenetic location: 6q22.1.
Variant type: single nucleotide variant.
Coding change: c.1684T>C on transcript NM_000493.4 (MANE Select); coding-DNA position 1684, T replaced by C.
Protein change: p.Tyr562His; replaces tyrosine 562 with histidine.
Molecular consequence: missense variant. On other transcripts: intron variant (1).
Genome position (GRCh38, 1-based): chr6:116,120,432, A>G on the plus strand (T>C on the coding strand, the complement: COL10A1 is on the minus strand). VCF-style: chr6-116120432-A-G. GRCh37 (hg19) VCF-style: chr6-116441595-A-G.
Other names: c.1684T>C, p.Tyr562His (NM_001424106.1, NM_001424107.1); c.529+2487A>G (NM_152729.3); short protein forms Y562H.
Identifiers: ClinVar variation 4694883 (VCV004694883.1).
Genomic context (GRCh38, chr6:116,120,432, plus strand): 5'-AATGCTGTTGCCTGTTATACAAAATTTTATCAAATGGTATGGGAGTTCCTATTGCTGGGT[A>G]AGCTTTGGAGAGAATAACAGTAAAAGCAGACACAGGCATTCCTGTTACCCCCTGGTTGGC-3'
Protein context (NP_000484.2, residues 552-572): SAFTVILSKA[Tyr562His]PAIGTPIPFD